The following is an entry in ClinVar:

NM_001042492.3(NF1):c.7971-3T>G

Gene: NF1 (neurofibromin 1; plus strand). Cytogenetic location: 17q11.2.
Variant type: single nucleotide variant.
Coding change: c.7971-3T>G on transcript NM_001042492.3 (MANE Select); 3 bases into the intron before coding-DNA position 7971, T replaced by G.
Molecular consequence: intron variant.
Genome position (GRCh38, 1-based): chr17:31,358,477, T>G. VCF-style: chr17-31358477-T-G. GRCh37 (hg19) VCF-style: chr17-29685495-T-G.
Other names: c.7908-3T>G (NM_000267.4).
Identifiers: ClinVar variation 1439001 (VCV001439001.6), dbSNP rs2151584771, ClinGen allele CA2573153455.

ClinVar aggregate classification (germline): Uncertain significance (1 of 4 stars; one submission).

Conditions:
Neurofibromatosis, type 1 (NF1). Also called: Peripheral type neurofibromatosis; VON RECKLINGHAUSEN DISEASE; NEUROFIBROMATOSIS, TYPE I, SOMATIC; Neurofibromatosis, type I. Identifiers: Orphanet 636, MedGen C0027831, MONDO:0018975, OMIM 162200. Disease mechanism: loss of function.

Submission:

Labcorp Genetics (formerly Invitae), Labcorp
Classification: Uncertain significance for Neurofibromatosis, type 1. Last evaluated: 2021-11-29. Review status: criteria provided, single submitter. Criteria: Invitae Variant Classification Sherloc (09022015). Collection method: clinical testing. Allele origin: germline.
Comment: This sequence change falls in intron 53 of the NF1 gene. It does not directly change the encoded amino acid sequence of the NF1 protein. It affects a nucleotide within the consensus splice site. This variant is not present in population databases (gnomAD no frequency). This variant has not been reported in the literature in individuals affected with NF1-related conditions. Variants that disrupt the consensus splice site are a relatively common cause of aberrant splicing (PMID: 17576681, 9536098). Algorithms developed to predict the effect of sequence changes on RNA splicing suggest that this variant may disrupt the consensus splice site. In summary, the available evidence is currently insufficient to determine the role of this variant in disease. Therefore, it has been classified as a Variant of Uncertain Significance.

Literature cited by the submitters: PubMed 17576681; PubMed 9536098.